The following is an entry in ClinVar:

NM_000260.4(MYO7A):c.3108+5G>A

Gene: MYO7A (myosin VIIA; plus strand). Cytogenetic location: 11q13.5.
Variant type: single nucleotide variant.
Coding change: c.3108+5G>A on transcript NM_000260.4 (MANE Select); 5 bases into the intron after coding-DNA position 3108, G replaced by A.
Molecular consequence: intron variant.
Genome position (GRCh38, 1-based): chr11:77,182,159, G>A. VCF-style: chr11-77182159-G-A. GRCh37 (hg19) VCF-style: chr11-76893205-G-A.
Other names: c.3075+5G>A (NM_001369365.1); c.3108+5G>A (NM_001127180.2).
Identifiers: ClinVar variation 3011633 (VCV003011633.3), dbSNP rs2497224652, ClinGen allele CA2740093148.

ClinVar aggregate classification (germline): Uncertain significance (1 of 4 stars; one submission).

Submission:

Labcorp Genetics (formerly Invitae), Labcorp
Classification: Uncertain significance. Last evaluated: 2024-10-15. Review status: criteria provided, single submitter. Criteria: Invitae Variant Classification Sherloc (09022015). Collection method: clinical testing. Allele origin: germline.
Comment: This sequence change falls in intron 24 of the MYO7A gene. It does not directly change the encoded amino acid sequence of the MYO7A protein. It affects a nucleotide within the consensus splice site. This variant is not present in population databases (gnomAD no frequency). This variant has not been reported in the literature in individuals affected with MYO7A-related conditions. Variants that disrupt the consensus splice site are a relatively common cause of aberrant splicing (PMID: 17576681, 9536098). Algorithms developed to predict the effect of sequence changes on RNA splicing suggest that this variant is not likely to affect RNA splicing. In summary, the available evidence is currently insufficient to determine the role of this variant in disease. Therefore, it has been classified as a Variant of Uncertain Significance.

Literature cited by the submitters: PubMed 17576681; PubMed 9536098.